The following is an entry in ClinVar:

NM_000372.5(TYR):c.825_828del (p.Cys276fs)

Gene: TYR (tyrosinase; plus strand). Cytogenetic location: 11q14.3.
Variant type: Deletion.
Coding change: c.825_828del on transcript NM_000372.5 (MANE Select); coding-DNA positions 825 to 828, 4 bases deleted (CTGT; older notation c.825_828delCTGT).
Protein change: p.Cys276fs; shifts the reading frame from cysteine 276.
Molecular consequence: frameshift variant.
Genome position (GRCh38, 1-based): chr11:89,191,207-89,191,210, CTGT deleted; deleting any 4 consecutive bases within chr11:89,191,204-89,191,210 gives the same sequence; the c. name uses the placement nearest the transcript's 3' end. VCF-style (leftmost placement, unchanged base first): chr11-89191203-TTGTC-T. GRCh37 (hg19) VCF-style: chr11-88924371-TTGTC-T.
Other names: short protein forms C276fs.
Identifiers: ClinVar variation 1456850 (VCV001456850.6), dbSNP rs2135253045, ClinGen allele CA2573147812.

ClinVar aggregate classification (germline): Pathogenic (1 of 4 stars; one submission).

Submission:

Labcorp Genetics (formerly Invitae), Labcorp
Classification: Pathogenic. Last evaluated: 2023-10-18. Review status: criteria provided, single submitter. Criteria: Invitae Variant Classification Sherloc (09022015). Collection method: clinical testing. Allele origin: germline.
Comment: This sequence change creates a premature translational stop signal (p.Cys276Alafs*42) in the TYR gene. It is expected to result in an absent or disrupted protein product. Loss-of-function variants in TYR are known to be pathogenic (PMID: 23504663). This variant is not present in population databases (gnomAD no frequency). This variant has not been reported in the literature in individuals affected with TYR-related conditions. ClinVar contains an entry for this variant (Variation ID: 1456850). For these reasons, this variant has been classified as Pathogenic.

Literature cited by the submitters: PubMed 23504663.